The following is an entry in ClinVar:

NM_001267550.2(TTN):c.3808C>G (p.Leu1270Val)

Genes: TTN (titin; minus strand), LOC101927055 (uncharacterized LOC101927055; plus strand). Cytogenetic location: 2q31.2.
Variant type: single nucleotide variant.
Coding change: c.3808C>G on transcript NM_001267550.2 (MANE Select); coding-DNA position 3808, C replaced by G.
Protein change: p.Leu1270Val; replaces leucine 1270 with valine.
Molecular consequence: missense variant.
Genome position (GRCh38, 1-based): chr2:178,779,384, G>C on the plus strand (C>G on the coding strand, the complement: TTN is on the minus strand). VCF-style: chr2-178779384-G-C. GRCh37 (hg19) VCF-style: chr2-179644111-G-C.
Other names: c.3808C>G, p.Leu1270Val (NM_001256850.1, NM_133378.4, NM_133379.5); c.3670C>G, p.Leu1224Val (NM_003319.4, NM_133432.3, NM_133437.4); short protein forms L1224V, L1270V.
Identifiers: ClinVar variation 4847709 (VCV004847709.1).

ClinVar aggregate classification (germline): Uncertain significance (1 of 4 stars; one submission).

gnomAD v4.1: 2 of 1,603,350 alleles (0.00012%); highest among the groups gnomAD compares: African/African-American, 0.0027%; no homozygotes.

Submission:

Women's Health and Genetics/Laboratory Corporation of America, LabCorp
Classification: Uncertain significance. Last evaluated: 2026-03-24. Review status: criteria provided, single submitter. Criteria: LabCorp Variant Classification Summary - May 2015. Collection method: clinical testing. Allele origin: germline.
Comment: Variant summary: TTN c.3808C>G (p.Leu1270Val) results in a conservative amino acid change in the encoded protein sequence. Algorithms developed to predict the effect of missense changes on protein structure and function are either unavailable or do not agree on the potential impact of this missense change. The frequency data for this variant in gnomAD is considered unreliable, as metrics indicate poor data quality at this position. To our knowledge, no occurrence of c.3808C>G in individuals affected with TTN-related conditions and no experimental evidence demonstrating its impact on protein function have been reported. No submitters have cited clinical-significance assessments for this variant to ClinVar. Based on the evidence outlined above, the variant was classified as uncertain significance.